The following is an entry in ClinVar:

ClinVar aggregate classification (germline): Conflicting classifications of pathogenicity. Review status: criteria provided, conflicting classifications (1 of 4 stars). 5 submissions from 5 submitters: Uncertain significance (4); Likely benign (1). Last evaluated 2026-08-01.

Conditions:
Stüve-Wiedemann syndrome 1. Also called: STUVE-WIEDEMANN/SCHWARTZ-JAMPEL TYPE 2 SYNDROME. Identifiers: Orphanet 3206, MedGen C5676888, MONDO:0800043, OMIM 601559.
Inborn genetic diseases. Identifiers: MedGen C0950123, MeSH D030342.

Allele frequency attached by ClinVar (database versions not stated): ExAC 0.00002; TOPMed 0.00006; gnomAD 0.00007; 1000 Genomes Project 0.00020; 1000 Genomes Project 30x 0.00031.
gnomAD v4.1: 87 of 1,613,930 alleles (0.0054%); highest among the groups gnomAD compares: East Asian, 0.038%; 2 homozygotes.

Submissions (5):

CeGaT Center for Human Genetics Tuebingen
Classification: Likely benign. Last evaluated: 2026-08-01. Review status: criteria provided, single submitter. Criteria: CeGaT Center For Human Genetics Tuebingen Variant Classification Criteria Version 2. Collection method: clinical testing. Allele origin: germline. Affected: yes. Observed: 1 variant allele.
Comment: LIFR: BP4

Fulgent Genetics
Classification: Uncertain significance for Stüve-Wiedemann syndrome 1. Last evaluated: 2024-05-02. Review status: criteria provided, single submitter. Criteria: ACMG Guidelines, 2015. Collection method: clinical testing. Allele origin: germline.

Labcorp Genetics (formerly Invitae), Labcorp
Classification: Uncertain significance. Last evaluated: 2022-10-05. Review status: criteria provided, single submitter. Criteria: Invitae Variant Classification Sherloc (09022015). Collection method: clinical testing. Allele origin: germline.
Comment: This sequence change replaces methionine, which is neutral and non-polar, with valine, which is neutral and non-polar, at codon 2 of the LIFR protein (p.Met2Val). This variant is present in population databases (rs552697580, gnomAD 0.02%), including at least one homozygous and/or hemizygous individual. This variant has not been reported in the literature in individuals affected with LIFR-related conditions. Algorithms developed to predict the effect of missense changes on protein structure and function (SIFT, PolyPhen-2, Align-GVGD) all suggest that this variant is likely to be tolerated. In summary, the available evidence is currently insufficient to determine the role of this variant in disease. Therefore, it has been classified as a Variant of Uncertain Significance.

Department of Pathology and Laboratory Medicine, Sinai Health System
Classification: Uncertain significance for Stüve-Wiedemann syndrome 1. Last evaluated: 2021-07-30. Review status: criteria provided, single submitter. Criteria: ACMG Guidelines, 2015. Collection method: research. Allele origin: germline.

Ambry Genetics
Classification: Uncertain significance for Inborn genetic diseases. Last evaluated: 2021-07-26. Review status: criteria provided, single submitter. Criteria: Ambry Variant Classification Scheme 2023. Collection method: clinical testing. Allele origin: germline.

NM_001127671.2(LIFR):c.4A>G (p.Met2Val)

Gene: LIFR (LIF receptor subunit alpha; minus strand). Cytogenetic location: 5p13.1.
Variant type: single nucleotide variant.
Coding change: c.4A>G on transcript NM_001127671.2 (MANE Select); coding-DNA position 4, A replaced by G.
Protein change: p.Met2Val; replaces methionine 2 with valine.
Molecular consequence: missense variant.
Genome position (GRCh38, 1-based): chr5:38,530,644, T>C on the plus strand (A>G on the coding strand, the complement: LIFR is on the minus strand). VCF-style: chr5-38530644-T-C. GRCh37 (hg19) VCF-style: chr5-38530746-T-C.
Other names: c.4A>G, p.Met2Val (NM_001364297.2, NM_001364298.2, NM_002310.6); short protein forms M2V.
Identifiers: ClinVar variation 2053322 (VCV002053322.5), dbSNP rs552697580, ClinGen allele CA3243377.